The following is an entry in ClinVar:

NM_021096.4(CACNA1I):c.4249A>G (p.Ile1417Val)

Gene: CACNA1I (calcium voltage-gated channel subunit alpha1 I; plus strand). Cytogenetic location: 22q13.1.
Variant type: single nucleotide variant.
Coding change: c.4249A>G on transcript NM_021096.4 (MANE Select); coding-DNA position 4249, A replaced by G.
Protein change: p.Ile1417Val; replaces isoleucine 1417 with valine.
Molecular consequence: missense variant.
Genome position (GRCh38, 1-based): chr22:39,670,092, A>G. VCF-style: chr22-39670092-A-G. GRCh37 (hg19) VCF-style: chr22-40066097-A-G.
Other names: c.4144A>G, p.Ile1382Val (NM_001003406.2); short protein forms I1382V, I1417V.
Identifiers: ClinVar variation 3262796 (VCV003262796.3).

ClinVar aggregate classification (germline): Uncertain significance. Review status: criteria provided, multiple submitters, no conflicts (2 of 4 stars). 2 submissions from 2 submitters: Uncertain significance (2). Last evaluated 2026-07-06.

gnomAD v4.1: 7 of 1,613,458 alleles (0.00043%); highest among the groups gnomAD compares: African/African-American, 0.004%; no homozygotes.

Submissions (2):

Ambry Genetics
Classification: Uncertain significance. Last evaluated: 2026-07-06. Review status: criteria provided, single submitter. Criteria: Ambry Variant Classification Scheme 2023. Collection method: clinical testing. Allele origin: germline.
Comment: The c.4249A>G (p.I1417V) alteration is located in exon 25 (coding exon 25) of the CACNA1I gene. This alteration results from a A to G substitution at nucleotide position 4249, causing the isoleucine (I) at amino acid position 1417 to be replaced by a valine (V). Based on data from gnomAD, the G allele has an overall frequency of 0.001% (2/249304) total alleles studied. The highest observed frequency was 0.007% (1/15494) of African alleles. Based on insufficient or conflicting evidence, the clinical significance of this alteration remains unclear.

Women's Health and Genetics/Laboratory Corporation of America, LabCorp
Classification: Uncertain significance. Last evaluated: 2026-03-25. Review status: criteria provided, single submitter. Criteria: LabCorp Variant Classification Summary - May 2015. Collection method: clinical testing. Allele origin: germline.
Comment: Variant summary: CACNA1I c.4249A>G (p.Ile1417Val) results in a conservative amino acid change in the encoded protein sequence. Algorithms developed to predict the effect of missense changes on protein structure and function are either unavailable or do not agree on the potential impact of this missense change. The variant allele was found at a frequency of 8e-06 in 249304 control chromosomes. The available data on variant occurrences in the general population are insufficient to allow any conclusion about variant significance. To our knowledge, no occurrence of c.4249A>G in individuals affected with CACNA1I-related conditions and no experimental evidence demonstrating its impact on protein function have been reported. ClinVar contains an entry for this variant (Variation ID: 3262796). Based on the evidence outlined above, the variant was classified as uncertain significance.